The following is an entry in ClinVar:

NM_001329943.3(KIAA0586):c.914T>C (p.Leu305Pro)

Gene: KIAA0586 (KIAA0586; plus strand). Cytogenetic location: 14q23.1.
Variant type: single nucleotide variant.
Coding change: c.914T>C on transcript NM_001329943.3 (MANE Select); coding-DNA position 914, T replaced by C.
Protein change: p.Leu305Pro; replaces leucine 305 with proline.
Molecular consequence: missense variant.
Genome position (GRCh38, 1-based): chr14:58,448,446, T>C. VCF-style: chr14-58448446-T-C. GRCh37 (hg19) VCF-style: chr14-58915164-T-C.
Other names: c.914T>C (NM_014749.3); c.1073T>C, p.Leu358Pro (NM_001244189.2); c.869T>C, p.Leu290Pro (NM_001244190.2); c.659T>C, p.Leu220Pro (NM_001244191.2, NM_001329945.2, NM_001364700.1 and 1 more transcripts); c.782T>C, p.Leu261Pro (NM_001244192.2); c.494T>C, p.Leu165Pro (NM_001244193.2); c.914T>C, p.Leu305Pro (NM_001329944.2, NM_001329946.2, NM_001329947.2 and 1 more transcripts); short protein forms L220P, L261P, L358P, L305P, L290P, L165P.
Identifiers: ClinVar variation 958351 (VCV000958351.8), dbSNP rs553130671, ClinGen allele CA7205508.

ClinVar aggregate classification (germline): Conflicting classifications of pathogenicity. Review status: criteria provided, conflicting classifications (1 of 4 stars). 5 submissions from 5 submitters: Uncertain significance (4); Likely benign (1). Last evaluated 2025-11-05.

Conditions:
Joubert syndrome 23 (JBTS23). Identifiers: Orphanet 475, MedGen C4084822, MONDO:0014664, OMIM 616490.
Short-rib thoracic dysplasia 14 with polydactyly (SRTD14). Identifiers: Orphanet 397715, MedGen C4225286, MONDO:0014688, OMIM 616546.
Inborn genetic diseases. Identifiers: MedGen C0950123, MeSH D030342.

Allele frequency attached by ClinVar (database versions not stated): gnomAD 0.00006 and 0.00007; TOPMed 0.00008; ExAC 0.00012; gnomAD exomes 0.00012; 1000 Genomes Project 0.00020; 1000 Genomes Project 30x 0.00031.
gnomAD v4.1: 143 of 1,612,486 alleles (0.0089%); highest among the groups gnomAD compares: Middle Eastern, 0.017%; no homozygotes.

Submissions (5):

Women's Health and Genetics/Laboratory Corporation of America, LabCorp
Classification: Uncertain significance. Last evaluated: 2025-11-05. Review status: criteria provided, single submitter. Criteria: LabCorp Variant Classification Summary - May 2015. Collection method: clinical testing. Allele origin: germline.
Comment: Variant summary: KIAA0586 c.1073T>C (p.Leu358Pro) results in a non-conservative amino acid change in the encoded protein sequence. Algorithms developed to predict the effect of missense changes on protein structure and function are either unavailable or do not agree on the potential impact of this missense change. The variant allele was found at a frequency of 0.00012 in 248880 control chromosomes. This frequency is not significantly higher than estimated for disease-causing variants in KIAA0586, allowing no conclusion about variant significance. To our knowledge, no occurrence of c.1073T>C in individuals affected with KIAA0586-related conditions and no experimental evidence demonstrating its impact on protein function have been reported. ClinVar contains an entry for this variant (Variation ID: 958351). Based on the evidence outlined above, the variant was classified as uncertain significance.

Ambry Genetics
Classification: Uncertain significance for Inborn genetic diseases. Last evaluated: 2025-01-27. Review status: criteria provided, single submitter. Criteria: Ambry Variant Classification Scheme 2023. Collection method: clinical testing. Allele origin: germline.

Blueprint Genetics
Classification: Likely benign. Last evaluated: 2024-08-15. Review status: criteria provided, single submitter. Criteria: ACMG Guidelines, 2015. Collection method: clinical testing. Allele origin: germline.

GeneDx
Classification: Uncertain significance. Last evaluated: 2023-10-12. Review status: criteria provided, single submitter. Criteria: GeneDx Variant Classification Process June 2021. Collection method: clinical testing. Allele origin: germline. Affected: yes.
Comment: In silico analysis supports that this missense variant does not alter protein structure/function; Has not been previously published as pathogenic or benign to our knowledge

Labcorp Genetics (formerly Invitae), Labcorp
Classification: Uncertain significance for Joubert syndrome 23; Short-rib thoracic dysplasia 14 with polydactyly. Last evaluated: 2022-10-17. Review status: criteria provided, single submitter. Criteria: Invitae Variant Classification Sherloc (09022015). Collection method: clinical testing. Allele origin: germline.
Comment: This sequence change replaces leucine, which is neutral and non-polar, with proline, which is neutral and non-polar, at codon 358 of the KIAA0586 protein (p.Leu358Pro). This variant is present in population databases (rs553130671, gnomAD 0.05%). This variant has not been reported in the literature in individuals affected with KIAA0586-related conditions. ClinVar contains an entry for this variant (Variation ID: 958351). Advanced modeling of protein sequence and biophysical properties (such as structural, functional, and spatial information, amino acid conservation, physicochemical variation, residue mobility, and thermodynamic stability) performed at Invitae indicates that this missense variant is not expected to disrupt KIAA0586 protein function. In summary, the available evidence is currently insufficient to determine the role of this variant in disease. Therefore, it has been classified as a Variant of Uncertain Significance.